The following is an entry in ClinVar:

ClinVar aggregate classification (germline): Uncertain significance (1 of 4 stars; one submission).

Allele frequency attached by ClinVar (database versions not stated): TOPMed below 0.00001.

Submission:

Ambry Genetics
Classification: Uncertain significance. Last evaluated: 2025-09-10. Review status: criteria provided, single submitter. Criteria: Ambry Variant Classification Scheme 2023. Collection method: clinical testing. Allele origin: germline.
Comment: The p.P69S variant (also known as c.205C>T), located in coding exon 1 of the GALNT12 gene, results from a C to T substitution at nucleotide position 205. The proline at codon 69 is replaced by serine, an amino acid with similar properties. This amino acid position is conserved. In addition, this alteration is predicted to be tolerated by in silico analysis. Since supporting evidence is limited at this time, the clinical significance of this alteration remains unclear.

NM_024642.5(GALNT12):c.205C>T (p.Pro69Ser)

Gene: GALNT12 (polypeptide N-acetylgalactosaminyltransferase 12; plus strand). Cytogenetic location: 9q22.33.
Variant type: single nucleotide variant.
Coding change: c.205C>T on transcript NM_024642.5 (MANE Select); coding-DNA position 205, C replaced by T.
Protein change: p.Pro69Ser; replaces proline 69 with serine.
Molecular consequence: missense variant.
Genome position (GRCh38, 1-based): chr9:98,807,903, C>T. VCF-style: chr9-98807903-C-T. GRCh37 (hg19) VCF-style: chr9-101570185-C-T.
Other names: short protein forms P69S.
Identifiers: ClinVar variation 1785196 (VCV001785196.3), dbSNP rs1588436249, ClinGen allele CA374222520.